The following is an entry in ClinVar:

ClinVar aggregate classification (germline): Uncertain significance. Review status: criteria provided, multiple submitters, no conflicts (2 of 4 stars). 3 submissions from 3 submitters: Uncertain significance (3). Last evaluated 2025-04-18.

Conditions:
Inborn genetic diseases. Identifiers: MedGen C0950123, MeSH D030342.
Alpha-methylacyl-CoA racemase deficiency (AMACRD). Also called: AMACR deficiency. Identifiers: Orphanet 79095, MedGen C3280428, MONDO:0013681, OMIM 614307. Disease mechanism: loss of function.

Allele frequency attached by ClinVar (database versions not stated): ExAC 0.00001; TOPMed 0.00002; gnomAD 0.00003.
gnomAD v4.1: 41 of 1,613,940 alleles (0.0025%); highest among the groups gnomAD compares: African/African-American, 0.0053%; no homozygotes.

Submissions (3):

Ambry Genetics
Classification: Uncertain significance for Inborn genetic diseases. Last evaluated: 2025-04-18. Review status: criteria provided, single submitter. Criteria: Ambry Variant Classification Scheme 2023. Collection method: clinical testing. Allele origin: germline.

Labcorp Genetics (formerly Invitae), Labcorp
Classification: Uncertain significance for Alpha-methylacyl-CoA racemase deficiency. Last evaluated: 2022-08-31. Review status: criteria provided, single submitter. Criteria: Invitae Variant Classification Sherloc (09022015). Collection method: clinical testing. Allele origin: germline.
Comment: This sequence change replaces arginine, which is basic and polar, with cysteine, which is neutral and slightly polar, at codon 173 of the AMACR protein (p.Arg173Cys). This variant is present in population databases (rs747997206, gnomAD 0.008%). This variant has not been reported in the literature in individuals affected with AMACR-related conditions. Algorithms developed to predict the effect of missense changes on protein structure and function output the following: SIFT: "Deleterious"; PolyPhen-2: "Benign"; Align-GVGD: "Class C15". The cysteine amino acid residue is found in multiple mammalian species, which suggests that this missense change does not adversely affect protein function. In summary, the available evidence is currently insufficient to determine the role of this variant in disease. Therefore, it has been classified as a Variant of Uncertain Significance.

Breakthrough Genomics
Classification: Uncertain significance. Review status: criteria provided, single submitter. Criteria: ACMG Guidelines, 2015. Collection method: not provided. Allele origin: germline. Inheritance: Autosomal recessive inheritance. Affected: yes.

NM_014324.6(AMACR):c.517C>T (p.Arg173Cys)

Genes: AMACR (alpha-methylacyl-CoA racemase; minus strand), C1QTNF3-AMACR (C1QTNF3-AMACR readthrough (NMD candidate); minus strand). Cytogenetic location: 5p13.2.
Variant type: single nucleotide variant.
Coding change: c.517C>T on transcript NM_014324.6 (MANE Select); coding-DNA position 517, C replaced by T.
Protein change: p.Arg173Cys; replaces arginine 173 with cysteine.
Molecular consequence: missense variant. On other transcripts: intron variant (1).
Genome position (GRCh38, 1-based): chr5:34,004,609, G>A on the plus strand (C>T on the coding strand, the complement: AMACR is on the minus strand). VCF-style: chr5-34004609-G-A. GRCh37 (hg19) VCF-style: chr5-34004714-G-A.
Other names: c.517C>T, p.Arg173Cys (NM_001167595.2); c.391+1147C>T (NM_203382.3); c.517C>T (NM_014324.5); short protein forms R173C.
Identifiers: ClinVar variation 1895950 (VCV001895950.4), dbSNP rs747997206, ClinGen allele CA3226188.